The following is an entry in ClinVar:

ClinVar aggregate classification (germline): Benign. Review status: criteria provided, multiple submitters, no conflicts (2 of 4 stars). 3 submissions from 3 submitters: Benign (2). 1 of the submissions does not count toward it. Last evaluated 2021-12-05.

Conditions:
TUBB6-related disorder. Also called: TUBB6-related condition.
Facial palsy, congenital, with ptosis and velopharyngeal dysfunction. Identifiers: MedGen C4540277, MONDO:0060589, OMIM 617732.

Allele frequency attached by ClinVar (database versions not stated): ESP Exome Variant Server 0.10180; TOPMed 0.11425; 1000 Genomes Project 30x 0.12648; 1000 Genomes Project 0.12939.

Submissions (3):

Genome-Nilou Lab
Classification: Benign for Facial palsy, congenital, with ptosis and velopharyngeal dysfunction. Last evaluated: 2021-12-05. Review status: criteria provided, single submitter. Criteria: ACMG Guidelines, 2015. Collection method: clinical testing. Allele origin: germline. Affected: no.

Breakthrough Genomics
Classification: Benign. Review status: criteria provided, single submitter. Criteria: ACMG Guidelines, 2015. Collection method: not provided. Allele origin: germline. Inheritance: Autosomal dominant inheritance. Affected: yes.

PreventionGenetics, part of Exact Sciences
Classification: Benign for TUBB6-related condition. Last evaluated: 2019-10-25. Review status: no assertion criteria provided. Collection method: clinical testing. Allele origin: germline. Not counted in ClinVar's aggregate classification.
Comment: This variant is classified as benign based on ACMG/AMP sequence variant interpretation guidelines (Richards et al. 2015 PMID: 25741868, with internal and published modifications).

NM_032525.3(TUBB6):c.165G>C (p.Ser55=)

Gene: TUBB6 (tubulin beta 6 class V; plus strand). Cytogenetic location: 18p11.21.
Variant type: single nucleotide variant.
Coding change: c.165G>C on transcript NM_032525.3 (MANE Select); coding-DNA position 165, G replaced by C.
Protein change: p.Ser55=; no amino-acid change (serine 55 retained).
Molecular consequence: synonymous variant. On other transcripts: 5 prime UTR variant (3), intron variant (1).
Genome position (GRCh38, 1-based): chr18:12,308,794, G>C. VCF-style: chr18-12308794-G-C. GRCh37 (hg19) VCF-style: chr18-12308793-G-C.
Other names: c.165G>C, p.Ser55= (NM_001303524.1, NM_001303525.2, NM_001303526.2); c.-147G>C (NM_001303528.2); c.-532G>C (NM_001303529.3); c.-741G>C (NM_001303530.3); c.-51+445G>C (NM_001303527.2); c.165G>C (NM_032525.2).
Identifiers: ClinVar variation 1684209 (VCV001684209.4), dbSNP rs11267036, ClinGen allele CA8895922.
Genomic context (GRCh38, chr18:12,308,794, plus strand): 5'-CTACGTGGGAGACTCGGCGCTGCAGCTGGAGAGAATCAACGTCTACTACAATGAGTCATC[G>C]TGTGAGTAGCAAGGCCGCCGCGCCCTGCCCGGCCGGGACCCGCGTGGACGCTCCGGCGCC-3'
Protein context (NP_115914.1, residues 45-65): ERINVYYNES[Ser55=]SQKYVPRAAL